The following is an entry in ClinVar:

ClinVar aggregate classification (germline): Pathogenic/Likely pathogenic. Review status: criteria provided, multiple submitters, no conflicts (2 of 4 stars). 5 submissions from 5 submitters: Pathogenic (2); Likely pathogenic (1). 2 of the submissions do not count toward it. Last evaluated 2024-09-23.

Conditions:
CDKL5 disorder. Identifiers: MedGen CN296942, MONDO:0100039.
Angelman syndrome-like. Identifiers: MedGen CN128785.
Developmental and epileptic encephalopathy, 2 (DEE2). Also called: CDKL5 deficiency disorder; INFANTILE SPASM SYNDROME, X-LINKED 2. Identifiers: Orphanet 1934, Orphanet 3451, Orphanet 505652, MedGen C4750718, MONDO:0010396, OMIM 300672.
CDKL5-related disorder.

Submissions (5):

Centre for Population Genomics, CPG
Classification: Likely pathogenic for CDKL5 disorder. Last evaluated: 2024-09-23. Review status: criteria provided, single submitter. Criteria: McKnight et al. (Hum Mutat. 2022). Collection method: curation. Allele origin: germline. Inheritance: X-linked inheritance.
Comment: This variant has been collected from RettBASE and curated to current modified ACMG/AMP criteria. Based on the classification scheme defined by the ClinGen Rett/Angelman-like Expert Panel for Rett/AS-like Disorders Specifications to the ACMG/AMP Variant Interpretation Guidelines VCEP 3.0, this variant is classified as likely pathogenic. At least the following criteria are met: This variant has been identified as a de novo occurrence in at least 2 individuals with CDKL5 disorder, without confirmation of paternity and maternity (PM6_Strong, PMID: 19793311, PMID: 22678952, PMID: 21770923). Has been observed in at least 3 individuals with phenotypes consistent with CDKL5 disorder (PS4_Moderate, PMIDs: 21770923, 22678952, 19793311, 18809835). This variant is absent from gnomAD (PM2_Supporting).

Blueprint Genetics
Classification: Pathogenic for CDKL5-related disorders. Last evaluated: 2022-11-08. Review status: criteria provided, single submitter. Criteria: ACMG Guidelines, 2015. Collection method: clinical testing. Allele origin: germline. Affected: yes. Observed: 2 variant alleles.

Labcorp Genetics (formerly Invitae), Labcorp
Classification: Pathogenic for Developmental and epileptic encephalopathy, 2; Angelman syndrome-like. Last evaluated: 2021-10-27. Review status: criteria provided, single submitter. Criteria: Invitae Variant Classification Sherloc (09022015). Collection method: clinical testing. Allele origin: germline.
Comment: For these reasons, this variant has been classified as Pathogenic. This variant disrupts the p.Arg178 amino acid residue in CDKL5. Other variant(s) that disrupt this residue have been determined to be pathogenic (PMID: 19362436, 19793311, 22678952, 25657822, 26482601, 29190809). This suggests that this residue is clinically significant, and that variants that disrupt this residue are likely to be disease-causing. Experimental studies have shown that this missense change affects CDKL5 function (PMID: 19793311). Advanced modeling of protein sequence and biophysical properties (such as structural, functional, and spatial information, amino acid conservation, physicochemical variation, residue mobility, and thermodynamic stability) performed at Invitae indicates that this missense variant is expected to disrupt CDKL5 protein function. ClinVar contains an entry for this variant (Variation ID: 18450). This missense change has been observed in individual(s) with clinical features of CDKL5-related condition (PMID: 18809835, 19793311, 30776697). In at least one individual the variant was observed to be de novo. This variant is not present in population databases (gnomAD no frequency). This sequence change replaces arginine, a(n) basic and polar amino acid, with proline, a(n) neutral and non-polar amino acid, at codon 178 of the CDKL5 protein (p.Arg178Pro).

RettBASE
Classification: Pathogenic for Epileptic encephalopathy, early infantile, 2. Last evaluated: 2014-03-13. Review status: no assertion criteria provided. Collection method: curation. Allele origin: unknown, de novo. Affected: yes. Observed: 2 variant alleles. Not counted in ClinVar's aggregate classification.
Comment: In silico prediction: SIFT = deleterious, MutationTaster = disease-causing, PolyPhen2 = probably damaging, AlignGVGD = benign (C0)

OMIM
Classification: Pathogenic for DEVELOPMENTAL AND EPILEPTIC ENCEPHALOPATHY 2. Last evaluated: 2009-10-01. Review status: no assertion criteria provided. Collection method: literature only. Allele origin: germline. Not counted in ClinVar's aggregate classification.

Literature cited by the submitters: PubMed 19362436 (cited by Labcorp Genetics (formerly Invitae), Labcorp); PubMed 19793311 (cited by 3 submitters); PubMed 22678952 (cited by Labcorp Genetics (formerly Invitae), Labcorp); PubMed 25657822 (cited by Labcorp Genetics (formerly Invitae), Labcorp); PubMed 26482601 (cited by Labcorp Genetics (formerly Invitae), Labcorp); PubMed 29190809 (cited by Labcorp Genetics (formerly Invitae), Labcorp); PubMed 18809835 (cited by Labcorp Genetics (formerly Invitae), Labcorp and RettBASE); PubMed 30776697 (cited by Labcorp Genetics (formerly Invitae), Labcorp).

NM_001323289.2(CDKL5):c.533G>C (p.Arg178Pro)

Gene: CDKL5 (cyclin dependent kinase like 5; plus strand). Cytogenetic location: Xp22.13.
Variant type: single nucleotide variant.
Coding change: c.533G>C on transcript NM_001323289.2 (MANE Select); coding-DNA position 533, G replaced by C.
Protein change: p.Arg178Pro; replaces arginine 178 with proline.
Molecular consequence: missense variant.
Genome position (GRCh38, 1-based): chrX:18,584,332, G>C. VCF-style: chrX-18584332-G-C. GRCh37 (hg19) VCF-style: chrX-18602452-G-C.
Other names: NM_001323289.2(CDKL5):c.533G>C; c.533G>C, p.Arg178Pro (NM_001037343.2, NM_003159.3); short protein forms R178P.
Identifiers: ClinVar variation 18450 (VCV000018450.14), dbSNP rs267606715, ClinGen allele CA121529.
Genomic context (GRCh38, chrX:18,584,332, plus strand): 5'-GTAATCTGTCAGAAGGCAATAATGCTAATTACACAGAGTACGTTGCCACCAGATGGTATC[G>C]GTCCCCAGAACTCTTACTTGGGTGAGTTACCGTCCCAAAATAGAATGACATTTCCACATC-3'
Protein context (NP_001310218.1, residues 168-188): YTEYVATRWY[Arg178Pro]SPELLLGAPY